The following is an entry in ClinVar:

ClinVar aggregate classification (germline): Likely benign. Review status: criteria provided, multiple submitters, no conflicts (2 of 4 stars). 7 submissions from 7 submitters: Likely benign (5). 2 of the submissions do not count toward it. Last evaluated 2025-12-23.

Conditions:
Cardiovascular phenotype. Identifiers: MedGen CN230736.
Brugada syndrome. Also called: Sudden Unexplained Death Syndrome; Sudden Unexplained Nocturnal Death Syndrome (SUNDS); Sudden unexplained nocturnal death syndrome; Sudden unexpected nocturnal death syndrome. Identifiers: Orphanet 130, MedGen C1142166, MONDO:0015263.

Allele frequency attached by ClinVar (database versions not stated): ESP Exome Variant Server 0.00023; 1000 Genomes Project 30x 0.00031; 1000 Genomes Project 0.00040; ExAC 0.00040; gnomAD exomes 0.00043; gnomAD 0.00053; TOPMed 0.00060.
gnomAD v4.1: 793 of 1,614,134 alleles (0.049%); highest among the groups gnomAD compares: Admixed American, 0.14%; 1 homozygote.

Submissions (7):

Labcorp Genetics (formerly Invitae), Labcorp
Classification: Likely benign for Brugada syndrome. Last evaluated: 2025-12-23. Review status: criteria provided, single submitter. Criteria: Invitae Variant Classification Sherloc (09022015). Collection method: clinical testing. Allele origin: germline.

Blueprint Genetics
Classification: Likely benign. Last evaluated: 2024-11-26. Review status: criteria provided, single submitter. Criteria: ACMG Guidelines, 2015. Collection method: clinical testing. Allele origin: germline.

CeGaT Center for Human Genetics Tuebingen
Classification: Likely benign. Last evaluated: 2024-11-01. Review status: criteria provided, single submitter. Criteria: CeGaT Center For Human Genetics Tuebingen Variant Classification Criteria Version 2. Collection method: clinical testing. Allele origin: germline. Affected: yes. Observed: 1 variant allele.
Comment: SCN10A: BP4, BP7, BS1

Ambry Genetics
Classification: Likely benign for Cardiovascular phenotype. Last evaluated: 2019-02-01. Review status: criteria provided, single submitter. Criteria: Ambry Variant Classification Scheme 2023. Collection method: clinical testing. Allele origin: germline.

GeneDx
Classification: Likely benign. Last evaluated: 2017-09-05. Review status: criteria provided, single submitter. Criteria: GeneDx Variant Classification (06012015). Collection method: clinical testing. Allele origin: germline. Affected: yes.
Comment: This variant is considered likely benign or benign based on one or more of the following criteria: it is a conservative change, it occurs at a poorly conserved position in the protein, it is predicted to be benign by multiple in silico algorithms, and/or has population frequency not consistent with disease.

Clinical Genetics, Academic Medical Center
Classification: Likely benign. Review status: no assertion criteria provided. Collection method: clinical testing. Allele origin: germline. Affected: yes. Study: VKGL Data-share Consensus. Not counted in ClinVar's aggregate classification.

Joint Genome Diagnostic Labs from Nijmegen and Maastricht, Radboudumc and MUMC+
Classification: Likely benign. Review status: no assertion criteria provided. Collection method: clinical testing. Allele origin: germline. Affected: yes. Study: VKGL Data-share Consensus. Not counted in ClinVar's aggregate classification.

NM_006514.4(SCN10A):c.5358C>T (p.Ile1786=)

Gene: SCN10A (sodium voltage-gated channel alpha subunit 10; minus strand). Cytogenetic location: 3p22.2.
Variant type: single nucleotide variant.
Coding change: c.5358C>T on transcript NM_006514.4 (MANE Select); coding-DNA position 5358, C replaced by T.
Protein change: p.Ile1786=; no amino-acid change (isoleucine 1786 retained).
Molecular consequence: synonymous variant.
Genome position (GRCh38, 1-based): chr3:38,697,862, G>A on the plus strand (C>T on the coding strand, the complement: SCN10A is on the minus strand). VCF-style: chr3-38697862-G-A. GRCh37 (hg19) VCF-style: chr3-38739353-G-A.
Other names: c.5355C>T, p.Ile1785= (NM_001293306.2); c.5064C>T, p.Ile1688= (NM_001293307.2).
Identifiers: ClinVar variation 390781 (VCV000390781.32), dbSNP rs188413410, ClinGen allele CA2319687.